The following is an entry in ClinVar:

ClinVar aggregate classification (germline): Uncertain significance. Review status: criteria provided, multiple submitters, no conflicts (2 of 4 stars). 2 submissions from 2 submitters: Uncertain significance (2). Last evaluated 2025-05-07.

Conditions:
Hereditary cancer-predisposing syndrome. Also called: Neoplastic Syndromes, Hereditary; Tumor predisposition; Hereditary Cancer Syndrome; Hereditary neoplastic syndrome. Identifiers: Orphanet 140162, MedGen C0027672, MeSH D009386, MONDO:0015356.
Familial adenomatous polyposis 1 (FAP1). Also called: FAMILIAL ADENOMATOUS POLYPOSIS 1, ATTENUATED; POLYPOSIS, ADENOMATOUS INTESTINAL. Identifiers: MedGen C2713442, MONDO:0021056, OMIM 175100. Disease mechanism: loss of function.

Allele frequency attached by ClinVar (database versions not stated): gnomAD exomes below 0.00001; TOPMed below 0.00001.
gnomAD v4.1: 1 of 1,613,758 alleles (0.000062%); highest among the groups gnomAD compares: East Asian, 0.0022%; no homozygotes.

Submissions (2):

Labcorp Genetics (formerly Invitae), Labcorp
Classification: Uncertain significance for Familial adenomatous polyposis 1. Last evaluated: 2025-05-07. Review status: criteria provided, single submitter. Criteria: Invitae Variant Classification Sherloc (09022015). Collection method: clinical testing. Allele origin: germline.
Comment: This sequence change replaces alanine, which is neutral and non-polar, with threonine, which is neutral and polar, at codon 2122 of the APC protein (p.Ala2122Thr). This variant is not present in population databases (gnomAD no frequency). This missense change has been observed in individual(s) with colorectal cancer (PMID: 30093976). ClinVar contains an entry for this variant (Variation ID: 924764). Invitae Evidence Modeling of protein sequence and biophysical properties (such as structural, functional, and spatial information, amino acid conservation, physicochemical variation, residue mobility, and thermodynamic stability) indicates that this missense variant is not expected to disrupt APC protein function with a negative predictive value of 95%. In summary, the available evidence is currently insufficient to determine the role of this variant in disease. Therefore, it has been classified as a Variant of Uncertain Significance.

Color Diagnostics, LLC DBA Color Health
Classification: Uncertain significance for Hereditary cancer-predisposing syndrome. Last evaluated: 2019-01-04. Review status: criteria provided, single submitter. Criteria: ACMG Guidelines, 2015. Collection method: clinical testing. Allele origin: germline.

Literature cited by the submitters: PubMed 30093976 (cited by Labcorp Genetics (formerly Invitae), Labcorp).

NM_000038.6(APC):c.6364G>A (p.Ala2122Thr)

Gene: APC (APC regulator of Wnt signaling pathway; plus strand). Cytogenetic location: 5q22.2.
Variant type: single nucleotide variant.
Coding change: c.6364G>A on transcript NM_000038.6 (MANE Select); coding-DNA position 6364, G replaced by A.
Protein change: p.Ala2122Thr; replaces alanine 2122 with threonine.
Molecular consequence: missense variant.
Genome position (GRCh38, 1-based): chr5:112,841,958, G>A. VCF-style: chr5-112841958-G-A. GRCh37 (hg19) VCF-style: chr5-112177655-G-A.
Other names: c.6364G>A, p.Ala2122Thr (NM_001127510.3, NM_001354895.2); c.6310G>A, p.Ala2104Thr (NM_001127511.3); c.6418G>A, p.Ala2140Thr (NM_001354896.2); c.6394G>A, p.Ala2132Thr (NM_001354897.2); c.6289G>A, p.Ala2097Thr (NM_001354898.2); c.6280G>A, p.Ala2094Thr (NM_001354899.2); c.6241G>A, p.Ala2081Thr (NM_001354900.2); c.6187G>A, p.Ala2063Thr (NM_001354901.2); and 5 more; short protein forms A2094T, A2097T, A2140T, A2021T, A2081T, A1839T, A1962T, A1996T.
Identifiers: ClinVar variation 924764 (VCV000924764.10), dbSNP rs1236966585, ClinGen allele CA16035266.
Genomic context (GRCh38, chr5:112,841,958, plus strand): 5'-AAAGCTATTCAGGAAGGTGCAAATTCCATAGTAAGTAGTTTACATCAAGCTGCTGCTGCT[G>A]CATGTTTATCTAGACAAGCTTCGTCTGATTCAGATTCCATCCTTTCCCTGAAATCAGGAA-3'
Protein context (NP_000029.2, residues 2112-2132): VSSLHQAAAA[Ala2122Thr]CLSRQASSDS